The following is an entry in ClinVar:

NM_003036.4(SKI):c.584A>G (p.Tyr195Cys)

Gene: SKI (SKI proto-oncogene; plus strand). Cytogenetic location: 1p36.33.
Variant type: single nucleotide variant.
Coding change: c.584A>G on transcript NM_003036.4 (MANE Select); coding-DNA position 584, A replaced by G.
Protein change: p.Tyr195Cys; replaces tyrosine 195 with cysteine.
Molecular consequence: missense variant.
Genome position (GRCh38, 1-based): chr1:2,229,350, A>G. VCF-style: chr1-2229350-A-G. GRCh37 (hg19) VCF-style: chr1-2160789-A-G.
Other names: short protein forms Y195C.
Identifiers: ClinVar variation 1506461 (VCV001506461.6), dbSNP rs1474048036, ClinGen allele CA337954205.

ClinVar aggregate classification (germline): Uncertain significance (1 of 4 stars; one submission).

Conditions:
Shprintzen-Goldberg syndrome (SGS). Also called: Marfanoid disorder with craniosynostosis type 1; Marfanoid craniosynostosis syndrome; Shprintzen-Goldberg marfanoid syndrome; SHPRINTZEN-GOLDBERG CRANIOSYNOSTOSIS SYNDROME; CRANIOSYNOSTOSIS WITH ARACHNODACTYLY AND ABDOMINAL HERNIAS. Identifiers: Orphanet 2462, MedGen C1321551, MONDO:0008426, OMIM 182212.

gnomAD v4.1: 1 of 1,595,914 alleles (0.000063%); highest among the groups gnomAD compares: Non-Finnish European, 0.000085%; no homozygotes.

Submission:

Labcorp Genetics (formerly Invitae), Labcorp
Classification: Uncertain significance for Shprintzen-Goldberg syndrome. Last evaluated: 2022-02-25. Review status: criteria provided, single submitter. Criteria: Invitae Variant Classification Sherloc (09022015). Collection method: clinical testing. Allele origin: germline.
Comment: This sequence change replaces tyrosine, which is neutral and polar, with cysteine, which is neutral and slightly polar, at codon 195 of the SKI protein (p.Tyr195Cys). This variant has not been reported in the literature in individuals affected with SKI-related conditions. In summary, the available evidence is currently insufficient to determine the role of this variant in disease. Therefore, it has been classified as a Variant of Uncertain Significance. Algorithms developed to predict the effect of missense changes on protein structure and function are either unavailable or do not agree on the potential impact of this missense change (SIFT: "Deleterious"; PolyPhen-2: "Benign"; Align-GVGD: "Class C0"). This variant is not present in population databases (gnomAD no frequency).